The following is an entry in ClinVar:

ClinVar aggregate classification (germline): Pathogenic. Review status: criteria provided, multiple submitters, no conflicts (2 of 4 stars). 2 submissions from 2 submitters: Pathogenic (2). Last evaluated 2024-05-08.

Conditions:
Fanconi anemia complementation group A (FANCA). Also called: Fanconi anemia, group A; FANCA-Related Fanconi Anemia. Identifiers: Orphanet 84, MedGen C3469521, MONDO:0009215, OMIM 227650.
Fanconi anemia (FA). Also called: Fanconi's anemia. Identifiers: Orphanet 84, MedGen C0015625, MeSH D005199, MONDO:0019391.

Submissions (2):

Myriad Genetics, Inc.
Classification: Pathogenic for Fanconi anemia complementation group A. Last evaluated: 2024-05-08. Review status: criteria provided, single submitter. Criteria: Myriad Autosomal Dominant, Autosomal Recessive and X-Linked Classification Criteria (2023). Collection method: clinical testing. Allele origin: unknown.
Comment: NM_000135.2(FANCA):c.418G>T(E140*) is expected to be pathogenic in the context of Fanconi anemia complementation group A. This variant is predicted to lead to an abnormal or absent protein product due to the creation of a premature termination codon in FANCA, a gene where loss-of-function variants are known to be pathogenic. Please note: this variant was assessed in the context of healthy population screening.

Labcorp Genetics (formerly Invitae), Labcorp
Classification: Pathogenic for Fanconi anemia. Last evaluated: 2019-03-01. Review status: criteria provided, single submitter. Criteria: Invitae Variant Classification Sherloc (09022015). Collection method: clinical testing. Allele origin: germline.
Comment: For these reasons, this variant has been classified as Pathogenic. Loss-of-function variants in FANCA are known to be pathogenic (PMID: 19367192). This variant has not been reported in the literature in individuals with FANCA-related conditions. This variant is not present in population databases (ExAC no frequency). This sequence change creates a premature translational stop signal (p.Glu140*) in the FANCA gene. It is expected to result in an absent or disrupted protein product.

Literature cited by the submitters: PubMed 19367192 (cited by Labcorp Genetics (formerly Invitae), Labcorp).

NM_000135.4(FANCA):c.418G>T (p.Glu140Ter)

Gene: FANCA (FA complementation group A; minus strand). Cytogenetic location: 16q24.3.
Variant type: single nucleotide variant.
Coding change: c.418G>T on transcript NM_000135.4 (MANE Select); coding-DNA position 418, G replaced by T.
Protein change: p.Glu140Ter; replaces glutamic acid 140 with a stop codon.
Molecular consequence: nonsense.
Genome position (GRCh38, 1-based): chr16:89,810,937, C>A on the plus strand (G>T on the coding strand, the complement: FANCA is on the minus strand). VCF-style: chr16-89810937-C-A. GRCh37 (hg19) VCF-style: chr16-89877345-C-A.
Other names: c.418G>T, p.Glu140Ter (NM_001018112.3, NM_001286167.3, NM_001351830.2); short protein forms E140*.
Identifiers: ClinVar variation 842534 (VCV000842534.8), dbSNP rs2040853528, ClinGen allele CA397480871.